The following is an entry in ClinVar:

ClinVar aggregate classification (germline): Uncertain significance. Review status: criteria provided, multiple submitters, no conflicts (2 of 4 stars). 3 submissions from 3 submitters: Uncertain significance (3). Last evaluated 2024-10-23.

Allele frequency attached by ClinVar (database versions not stated): gnomAD exomes below 0.00001; ExAC 0.00002.
gnomAD v4.1: 9 of 1,584,150 alleles (0.00057%); highest among the groups gnomAD compares: South Asian, 0.0012%; no homozygotes.

Submissions (3):

Blueprint Genetics
Classification: Uncertain significance. Last evaluated: 2024-10-23. Review status: criteria provided, single submitter. Criteria: ACMG Guidelines, 2015. Collection method: clinical testing. Allele origin: germline.

Ambry Genetics
Classification: Uncertain significance. Last evaluated: 2024-06-10. Review status: criteria provided, single submitter. Criteria: Ambry Variant Classification Scheme 2023. Collection method: clinical testing. Allele origin: germline.

Labcorp Genetics (formerly Invitae), Labcorp
Classification: Uncertain significance. Last evaluated: 2023-06-26. Review status: criteria provided, single submitter. Criteria: Invitae Variant Classification Sherloc (09022015). Collection method: clinical testing. Allele origin: germline.
Comment: In summary, the available evidence is currently insufficient to determine the role of this variant in disease. Therefore, it has been classified as a Variant of Uncertain Significance. An algorithm developed to predict the effect of missense changes on protein structure and function (PolyPhen-2) suggests that this variant is likely to be tolerated. ClinVar contains an entry for this variant (Variation ID: 2075211). This variant has not been reported in the literature in individuals affected with ESRRB-related conditions. The frequency data for this variant in the population databases is considered unreliable, as metrics indicate poor data quality at this position in the gnomAD database. This sequence change replaces alanine, which is neutral and non-polar, with valine, which is neutral and non-polar, at codon 323 of the ESRRB protein (p.Ala323Val).

NM_001379180.1(ESRRB):c.1031C>T (p.Ala344Val)

Gene: ESRRB (estrogen related receptor beta; plus strand). Cytogenetic location: 14q24.3.
Variant type: single nucleotide variant.
Coding change: c.1031C>T on transcript NM_001379180.1 (MANE Select); coding-DNA position 1031, C replaced by T.
Protein change: p.Ala344Val; replaces alanine 344 with valine.
Molecular consequence: missense variant.
Genome position (GRCh38, 1-based): chr14:76,491,627, C>T. VCF-style: chr14-76491627-C-T. GRCh37 (hg19) VCF-style: chr14-76957970-C-T.
Other names: c.968C>T (NM_004452.3); c.983C>T, p.Ala328Val (NM_001411038.1); c.968C>T, p.Ala323Val (NM_004452.4); short protein forms A328V, A323V, A344V.
Identifiers: ClinVar variation 2075211 (VCV002075211.6), dbSNP rs766812921, ClinGen allele CA7281747.
Genomic context (GRCh38, chr14:76,491,627, plus strand): 5'-AGGACTACATCATGGATGAGGAGCACTCCCGCCTCGCGGGGCTGCTGGAGCTCTACCGGG[C>T]CATCCTGCAGCTGGTACGCAGGTACAAGAAGCTCAAGGTGGAGAAGGAGGAGTTTGTGAC-3'
Protein context (NP_001366109.1, residues 334-354): RLAGLLELYR[Ala344Val]ILQLVRRYKK